The following is an entry in ClinVar:

ClinVar aggregate classification (germline): Uncertain significance (1 of 4 stars; one submission).

Allele frequency attached by ClinVar (database versions not stated): gnomAD exomes 0.00001; ExAC 0.00002; TOPMed 0.00002.
gnomAD v4.1: 6 of 1,614,194 alleles (0.00037%); highest among the groups gnomAD compares: Admixed American, 0.01%; no homozygotes.

Submission:

Labcorp Genetics (formerly Invitae), Labcorp
Classification: Uncertain significance. Last evaluated: 2026-01-19. Review status: criteria provided, single submitter. Criteria: Invitae Variant Classification Sherloc (09022015). Collection method: clinical testing. Allele origin: germline.
Comment: This sequence change replaces methionine, which is neutral and non-polar, with valine, which is neutral and non-polar, at codon 468 of the ARFGEF2 protein (p.Met468Val). This variant is present in population databases (rs759227223, gnomAD 0.02%). This variant has not been reported in the literature in individuals affected with ARFGEF2-related conditions. ClinVar contains an entry for this variant (Variation ID: 2044199). An algorithm developed to predict the effect of missense changes on protein structure and function (PolyPhen-2) suggests that this variant is likely to be tolerated. In summary, the available evidence is currently insufficient to determine the role of this variant in disease. Therefore, it has been classified as a Variant of Uncertain Significance.

NM_006420.3(ARFGEF2):c.1402A>G (p.Met468Val)

Gene: ARFGEF2 (ARF guanine nucleotide exchange factor 2; plus strand). Cytogenetic location: 20q13.13.
Variant type: single nucleotide variant.
Coding change: c.1402A>G on transcript NM_006420.3 (MANE Select); coding-DNA position 1402, A replaced by G.
Protein change: p.Met468Val; replaces methionine 468 with valine.
Molecular consequence: missense variant.
Genome position (GRCh38, 1-based): chr20:48,971,331, A>G. VCF-style: chr20-48971331-A-G. GRCh37 (hg19) VCF-style: chr20-47587868-A-G.
Other names: c.1399A>G, p.Met467Val (NM_001410846.1); short protein forms M468V, M467V.
Identifiers: ClinVar variation 2044199 (VCV002044199.4), dbSNP rs759227223, ClinGen allele CA9898388.